The following is an entry in ClinVar:

NM_004655.4(AXIN2):c.667G>C (p.Gly223Arg)

Gene: AXIN2 (axin 2; minus strand). Cytogenetic location: 17q24.1.
Variant type: single nucleotide variant.
Coding change: c.667G>C on transcript NM_004655.4 (MANE Select); coding-DNA position 667, G replaced by C.
Protein change: p.Gly223Arg; replaces glycine 223 with arginine.
Molecular consequence: missense variant.
Genome position (GRCh38, 1-based): chr17:65,557,954, C>G on the plus strand (G>C on the coding strand, the complement: AXIN2 is on the minus strand). VCF-style: chr17-65557954-C-G. GRCh37 (hg19) VCF-style: chr17-63554072-C-G.
Other names: c.667G>C, p.Gly223Arg (NM_001363813.1); short protein forms G223R.
Identifiers: ClinVar variation 843401 (VCV000843401.13), dbSNP rs878854733, ClinGen allele CA400680533.
Genomic context (GRCh38, chr17:65,557,954, plus strand): 5'-GTTTGCACTTGAAGTCGGCACAAGTCCACTCCTCTTCTTCATTCAAGGTGGGGAGATAGC[C>G]ACACACGACCTTTAGGCTCCCGAGTCCCCCATTACTCATGTAAGCTGTGTTTTCTCCCCC-3'
Protein context (NP_004646.3, residues 213-233): GGLGSLKVVC[Gly223Arg]YLPTLNEEEE

ClinVar aggregate classification (germline): Uncertain significance. Review status: criteria provided, multiple submitters, no conflicts (2 of 4 stars). 4 submissions from 4 submitters: Uncertain significance (4). Last evaluated 2025-05-05.

Conditions:
Oligodontia-cancer predisposition syndrome. Also called: TOOTH AGENESIS-COLORECTAL CANCER SYNDROME. Identifiers: Orphanet 300576, MedGen C1837750, MONDO:0012075, OMIM 608615. Disease mechanism: loss of function.
Hereditary cancer-predisposing syndrome. Also called: Hereditary Cancer Syndrome; Hereditary neoplastic syndrome; Tumor predisposition; Neoplastic Syndromes, Hereditary. Identifiers: Orphanet 140162, MedGen C0027672, MeSH D009386, MONDO:0015356.

Submissions (4):

Ambry Genetics
Classification: Uncertain significance for Hereditary cancer-predisposing syndrome. Last evaluated: 2025-05-05. Review status: criteria provided, single submitter. Criteria: Ambry Variant Classification Scheme 2023. Collection method: clinical testing. Allele origin: germline.
Comment: The p.G223R variant (also known as c.667G>C), located in coding exon 1 of the AXIN2 gene, results from a G to C substitution at nucleotide position 667. The glycine at codon 223 is replaced by arginine, an amino acid with dissimilar properties. This amino acid position is conserved. In addition, this alteration is predicted to be deleterious by in silico analysis. Based on the available evidence, the clinical significance of this variant remains unclear.

Labcorp Genetics (formerly Invitae), Labcorp
Classification: Uncertain significance for Oligodontia-cancer predisposition syndrome. Last evaluated: 2025-01-23. Review status: criteria provided, single submitter. Criteria: Invitae Variant Classification Sherloc (09022015). Collection method: clinical testing. Allele origin: germline.
Comment: This sequence change replaces glycine, which is neutral and non-polar, with arginine, which is basic and polar, at codon 223 of the AXIN2 protein (p.Gly223Arg). This variant is present in population databases (no rsID available, gnomAD 0.007%). This variant has not been reported in the literature in individuals affected with AXIN2-related conditions. ClinVar contains an entry for this variant (Variation ID: 843401). Invitae Evidence Modeling of protein sequence and biophysical properties (such as structural, functional, and spatial information, amino acid conservation, physicochemical variation, residue mobility, and thermodynamic stability) has been performed for this missense variant. However, the output from this modeling did not meet the statistical confidence thresholds required to predict the impact of this variant on AXIN2 protein function. In summary, the available evidence is currently insufficient to determine the role of this variant in disease. Therefore, it has been classified as a Variant of Uncertain Significance.

GeneDx
Classification: Uncertain significance. Last evaluated: 2019-07-24. Review status: criteria provided, single submitter. Criteria: GeneDx Variant Classification Process June 2021. Collection method: clinical testing. Allele origin: germline. Affected: yes.
Comment: Not observed at a significant frequency in large population cohorts (Lek et al., 2016); In silico analysis, which includes protein predictors and evolutionary conservation, supports a deleterious effect; Has not been previously published as pathogenic or benign to our knowledge

Illumina Laboratory Services, Illumina
Classification: Uncertain significance for Oligodontia-cancer predisposition syndrome. Last evaluated: 2018-01-13. Review status: criteria provided, single submitter. Criteria: ICSL Variant Classification Criteria 13 December 2019. Collection method: clinical testing. Allele origin: germline.